The following is an entry in ClinVar:

ClinVar aggregate classification (germline): Uncertain significance. Review status: criteria provided, multiple submitters, no conflicts (2 of 4 stars). 3 submissions from 3 submitters: Uncertain significance (2). 1 of the submissions does not count toward it. Last evaluated 2024-10-10.

Conditions:
Meckel-Gruber syndrome. Also called: DYSENCEPHALIA SPLANCHNOCYSTICA; GRUBER SYNDROME; Dysencephalia splachnocystica. Identifiers: Orphanet 564, MedGen C0265215, MONDO:0018921.
Joubert syndrome. Also called: Familial aplasia of the vermis; JOUBERT-BOLTSHAUSER SYNDROME. Identifiers: Orphanet 475, MedGen C5979921, MONDO:0018772.
Nephronophthisis. Also called: Juvenile Nephronophthisis. Identifiers: Orphanet 655, MedGen C0687120, MONDO:0019005, HP:0000090.
CEP290-related disorder. Also called: CEP290-related condition; CEP290-related disorders. Identifiers: MedGen CN239314.

Allele frequency attached by ClinVar (database versions not stated): TOPMed 0.00001.
gnomAD v4.1: 3 of 1,600,846 alleles (0.00019%); highest among the groups gnomAD compares: Middle Eastern, 0.017%; no homozygotes.

Submissions (3):

Blueprint Genetics
Classification: Uncertain significance. Last evaluated: 2024-10-10. Review status: criteria provided, single submitter. Criteria: ACMG Guidelines, 2015. Collection method: clinical testing. Allele origin: germline.

Labcorp Genetics (formerly Invitae), Labcorp
Classification: Uncertain significance for Joubert syndrome; Meckel-Gruber syndrome; Nephronophthisis. Last evaluated: 2022-05-05. Review status: criteria provided, single submitter. Criteria: Invitae Variant Classification Sherloc (09022015). Collection method: clinical testing. Allele origin: germline.
Comment: This sequence change replaces glutamine, which is neutral and polar, with lysine, which is basic and polar, at codon 1942 of the CEP290 protein (p.Gln1942Lys). The frequency data for this variant in the population databases is considered unreliable, as metrics indicate poor data quality at this position in the gnomAD database. This variant has not been reported in the literature in individuals affected with CEP290-related conditions. Algorithms developed to predict the effect of missense changes on protein structure and function are either unavailable or do not agree on the potential impact of this missense change (SIFT: "Tolerated"; PolyPhen-2: "Probably Damaging"; Align-GVGD: "Class C0"). In summary, the available evidence is currently insufficient to determine the role of this variant in disease. Therefore, it has been classified as a Variant of Uncertain Significance.

PreventionGenetics, part of Exact Sciences
Classification: Uncertain significance for CEP290-related condition. Last evaluated: 2024-05-27. Review status: no assertion criteria provided. Collection method: clinical testing. Allele origin: germline. Not counted in ClinVar's aggregate classification.
Comment: The CEP290 c.5824C>A variant is predicted to result in the amino acid substitution p.Gln1942Lys. To our knowledge, this variant has not been reported in the literature. This variant is reported in 0.0032% of alleles in individuals of Latino descent in gnomAD. At this time, the clinical significance of this variant is uncertain due to the absence of conclusive functional and genetic evidence.

NM_025114.4(CEP290):c.5824C>A (p.Gln1942Lys)

Gene: CEP290 (centrosomal protein 290; minus strand). Cytogenetic location: 12q21.32.
Variant type: single nucleotide variant.
Coding change: c.5824C>A on transcript NM_025114.4 (MANE Select); coding-DNA position 5824, C replaced by A.
Protein change: p.Gln1942Lys; replaces glutamine 1942 with lysine.
Molecular consequence: missense variant.
Genome position (GRCh38, 1-based): chr12:88,071,812, G>T on the plus strand (C>A on the coding strand, the complement: CEP290 is on the minus strand). VCF-style: chr12-88071812-G-T. GRCh37 (hg19) VCF-style: chr12-88465589-G-T.
Other names: c.5824C>A (NM_025114.3); short protein forms Q1942K.
Identifiers: ClinVar variation 2198203 (VCV002198203.3), dbSNP rs763345078, ClinGen allele CA385984539.